The following is an entry in ClinVar:

NM_001270974.2(HYDIN):c.3365T>C (p.Leu1122Pro)

Gene: HYDIN (HYDIN axonemal central pair apparatus protein; minus strand). Cytogenetic location: 16q22.2.
Variant type: single nucleotide variant.
Coding change: c.3365T>C on transcript NM_001270974.2 (MANE Select); coding-DNA position 3365, T replaced by C.
Protein change: p.Leu1122Pro; replaces leucine 1122 with proline.
Molecular consequence: missense variant.
Genome position (GRCh38, 1-based): chr16:71,018,408, A>G on the plus strand (T>C on the coding strand, the complement: HYDIN is on the minus strand). VCF-style: chr16-71018408-A-G. GRCh37 (hg19) VCF-style: chr16-71052311-A-G.
Other names: short protein forms L1122P.
Identifiers: ClinVar variation 2672649 (VCV002672649.23), dbSNP rs202233483, ClinGen allele CA283522144.

ClinVar aggregate classification (germline): Uncertain significance (1 of 4 stars; one submission).

Submission:

CeGaT Center for Human Genetics Tuebingen
Classification: Uncertain significance. Last evaluated: 2023-12-01. Review status: criteria provided, single submitter. Criteria: CeGaT Center For Human Genetics Tuebingen Variant Classification Criteria Version 2. Collection method: clinical testing. Allele origin: germline. Affected: yes. Observed: 2 variant alleles.
Comment: HYDIN: PM2